The following is an entry in ClinVar:

NM_000540.3(RYR1):c.997A>G (p.Met333Val)

Gene: RYR1 (ryanodine receptor 1; plus strand). Cytogenetic location: 19q13.2.
Variant type: single nucleotide variant.
Coding change: c.997A>G on transcript NM_000540.3 (MANE Select); coding-DNA position 997, A replaced by G.
Protein change: p.Met333Val; replaces methionine 333 with valine.
Molecular consequence: missense variant.
Genome position (GRCh38, 1-based): chr19:38,448,688, A>G. VCF-style: chr19-38448688-A-G. GRCh37 (hg19) VCF-style: chr19-38939328-A-G.
Other names: c.997A>G, p.Met333Val (NM_001042723.2); short protein forms M333V.
Identifiers: ClinVar variation 3071349 (VCV003071349.1), dbSNP rs2513997016, ClinGen allele CA405682747.

ClinVar aggregate classification (germline): Uncertain significance (1 of 4 stars; one submission).

Conditions:
Malignant hyperthermia, susceptibility to, 1 (MHS1). Also called: Anesthesia related hyperthermia; Malignant hyperpyrexia; Fulminating hyperpyrexia; Pharmacogenic myopathy; RYR1-Related Malignant Hyperthermia Susceptibility; Malignant hyperthermia suceptibility 1. Identifiers: Orphanet 423, MedGen C2930980, MONDO:0007783, OMIM 145600.

Submission:

All of Us Research Program, National Institutes of Health
Classification: Uncertain significance for Malignant hyperthermia, susceptibility to, 1. Last evaluated: 2023-05-30. Review status: criteria provided, single submitter. Criteria: ACMG Guidelines, 2015. Collection method: clinical testing. Allele origin: germline. Inheritance: Autosomal dominant inheritance. Observed: 1 variant allele, 1 heterozygote.
Comment: This missense variant replaces methionine with valine at codon 333 of the RYR1 protein. Computational prediction suggests that this variant may have deleterious impact on protein structure and function (internally defined REVEL score threshold >= 0.7, PMID: 27666373). To our knowledge, functional studies have not been reported for this variant. This variant has not been reported in individuals affected with RYR1-related disorders in the literature. This variant has not been identified in the general population by the Genome Aggregation Database (gnomAD). The available evidence is insufficient to determine the role of this variant in disease conclusively. Therefore, this variant is classified as a Variant of Uncertain Significance.

This study involves interpretation of variants in research participants for the purpose of population health screening. Participant phenotype was not available at the time of variant classification. Additional details can be found in publication PMID: 35346344, PMCID: PMC8962531